The following is an entry in ClinVar:

NM_001018115.3(FANCD2):c.1134+8T>G

Genes: FANCD2 (FA complementation group D2; plus strand), LOC107303338 (3p25 FANCD2 Alu-mediated recombination region; plus strand). Cytogenetic location: 3p25.3.
Variant type: single nucleotide variant.
Coding change: c.1134+8T>G on transcript NM_001018115.3 (MANE Select); 8 bases into the intron after coding-DNA position 1134, T replaced by G.
Molecular consequence: intron variant.
Genome position (GRCh38, 1-based): chr3:10,043,872, T>G. VCF-style: chr3-10043872-T-G. GRCh37 (hg19) VCF-style: chr3-10085556-T-G.
Other names: c.1134+8T>G (NM_001018115.2, NM_001319984.2, NM_001374253.1 and 2 more transcripts).
Identifiers: ClinVar variation 342259 (VCV000342259.18), dbSNP rs373232961, ClinGen allele CA2249506.

ClinVar aggregate classification (germline): Conflicting classifications of pathogenicity. Review status: criteria provided, conflicting classifications (1 of 4 stars). 4 submissions from 4 submitters: Uncertain significance (1); Likely benign (2). 1 of the submissions does not count toward it. Last evaluated 2026-01-06.

Conditions:
FANCD2-related disorder. Also called: FANCD2-related condition.
Fanconi anemia complementation group D2. Also called: FANCD2-Related Fanconi Anemia; FANCONI PANCYTOPENIA, TYPE 4; FANCONI ANEMIA, COMPLEMENTATION GROUP D. Identifiers: Orphanet 84, MedGen C3160738, MONDO:0009214, OMIM 227646.
Fanconi anemia (FA). Also called: Fanconi's anemia. Identifiers: Orphanet 84, MedGen C0015625, MeSH D005199, MONDO:0019391.

Allele frequency attached by ClinVar (database versions not stated): 1000 Genomes Project 30x 0.00016; gnomAD exomes 0.00017 and 0.00049; ExAC 0.00021; gnomAD 0.00029; ESP Exome Variant Server 0.00062.
gnomAD v4.1: 755 of 1,599,002 alleles (0.047%); highest among the groups gnomAD compares: Non-Finnish European, 0.061%; no homozygotes.

Submissions (4):

Labcorp Genetics (formerly Invitae), Labcorp
Classification: Likely benign for Fanconi anemia. Last evaluated: 2026-01-06. Review status: criteria provided, single submitter. Criteria: Invitae Variant Classification Sherloc (09022015). Collection method: clinical testing. Allele origin: germline.

Blueprint Genetics
Classification: Likely benign. Last evaluated: 2024-10-02. Review status: criteria provided, single submitter. Criteria: ACMG Guidelines, 2015. Collection method: clinical testing. Allele origin: germline.

Illumina Laboratory Services, Illumina
Classification: Uncertain significance for Fanconi anemia complementation group D2. Last evaluated: 2018-01-13. Review status: criteria provided, single submitter. Criteria: ICSL Variant Classification Criteria 13 December 2019. Collection method: clinical testing. Allele origin: germline.

PreventionGenetics, part of Exact Sciences
Classification: Likely benign for FANCD2-related condition. Last evaluated: 2019-09-23. Review status: no assertion criteria provided. Collection method: clinical testing. Allele origin: germline. Not counted in ClinVar's aggregate classification.
Comment: This variant is classified as likely benign based on ACMG/AMP sequence variant interpretation guidelines (Richards et al. 2015 PMID: 25741868, with internal and published modifications).